The following is an entry in ClinVar:

NM_024809.5(TCTN2):c.1752A>G (p.Ile584Met)

Gene: TCTN2 (tectonic family member 2; plus strand). Cytogenetic location: 12q24.31.
Variant type: single nucleotide variant.
Coding change: c.1752A>G on transcript NM_024809.5 (MANE Select); coding-DNA position 1752, A replaced by G.
Protein change: p.Ile584Met; replaces isoleucine 584 with methionine.
Molecular consequence: missense variant.
Genome position (GRCh38, 1-based): chr12:123,704,671, A>G. VCF-style: chr12-123704671-A-G. GRCh37 (hg19) VCF-style: chr12-124189218-A-G.
Other names: c.1749A>G, p.Ile583Met (NM_001143850.3); c.1617A>G, p.Ile539Met (NM_001410989.1); short protein forms I539M, I584M, I583M.
Identifiers: ClinVar variation 2178810 (VCV002178810.5), dbSNP rs753905088, ClinGen allele CA6861324.
Genomic context (GRCh38, chr12:123,704,671, plus strand): 5'-GAGCATCCGCATCCTCATCTCGGATGCTGGCGCGGTGGAAGGGATTACTCAGCAGGAGAT[A>G]CTCGGTGTAGAGACAAGGTATGATCACATCTTGGATCACCGTAGTTTAGAGAGAGTCAGG-3'
Protein context (NP_079085.2, residues 574-594): GAVEGITQQE[Ile584Met]LGVETRFSSV

ClinVar aggregate classification (germline): Conflicting classifications of pathogenicity. Review status: criteria provided, conflicting classifications (1 of 4 stars). 2 submissions from 2 submitters: Likely pathogenic (1); Uncertain significance (1). Last evaluated 2026-08-03.

Conditions:
Joubert syndrome. Also called: JOUBERT-BOLTSHAUSER SYNDROME; Familial aplasia of the vermis. Identifiers: Orphanet 475, MedGen C5979921, MONDO:0018772.
Meckel-Gruber syndrome. Also called: DYSENCEPHALIA SPLANCHNOCYSTICA; GRUBER SYNDROME; Dysencephalia splachnocystica. Identifiers: Orphanet 564, MedGen C0265215, MONDO:0018921.
Joubert syndrome 24 (JBTS24). Identifiers: Orphanet 475, MedGen C4084841, MONDO:0014724, OMIM 616654.

Allele frequency attached by ClinVar (database versions not stated): TOPMed below 0.00001; ExAC 0.00001; gnomAD exomes 0.00002.
gnomAD v4.1: 34 of 1,613,398 alleles (0.0021%); highest among the groups gnomAD compares: Middle Eastern, 0.017%; no homozygotes.

Submissions (2):

Genelabs Medical  (pvt) Ltd
Classification: Uncertain significance for Joubert syndrome 24. Last evaluated: 2026-08-03. Review status: criteria provided, single submitter. Criteria: ACMG Guidelines, 2015. Collection method: clinical testing. Allele origin: germline. Inheritance: Autosomal recessive inheritance. Affected: no. Observed: 1 heterozygote.
Comment: The missense variant NM_024809.5(TCTN2):c.1752A>G (p.Ile584Met), located in exon 15, is observed in 1/6,058 alleles (allele frequency 0.000165) in individuals of Middle Eastern ancestry in gnomAD. This nucleotide change results in the substitution of isoleucine with methionine at codon 584. Although isoleucine and methionine are physicochemically similar amino acids, the affected residue is located within the TCTN domain, a functionally important region enriched for pathogenic missense variation, with more than three pathogenic variants reported within six amino acid residues of p.Ile584Met and no benign variants reported in this region. In addition, other pathogenic and likely pathogenic missense substitutions affecting the same amino acid residue, p.Ile584Lys and p.Ile584Thr, have previously been reported, supporting the functional importance of this residue. However, there is currently insufficient clinical, functional, and segregation evidence to establish the pathogenicity of this variant. Based on the cumulative evidence, this variant is classified as a Variant of Uncertain Significance.

Labcorp Genetics (formerly Invitae), Labcorp
Classification: Likely pathogenic for Joubert syndrome; Meckel-Gruber syndrome. Last evaluated: 2022-08-31. Review status: criteria provided, single submitter. Criteria: Invitae Variant Classification Sherloc (09022015). Collection method: clinical testing. Allele origin: germline.
Comment: In summary, the currently available evidence indicates that the variant is pathogenic, but additional data are needed to prove that conclusively. Therefore, this variant has been classified as Likely Pathogenic. This variant disrupts the p.Ile584 amino acid residue in TCTN2. Other variant(s) that disrupt this residue have been determined to be pathogenic (PMID: 26092869). This suggests that this residue is clinically significant, and that variants that disrupt this residue are likely to be disease-causing. Advanced modeling of protein sequence and biophysical properties (such as structural, functional, and spatial information, amino acid conservation, physicochemical variation, residue mobility, and thermodynamic stability) performed at Invitae indicates that this missense variant is expected to disrupt TCTN2 protein function. This variant has not been reported in the literature in individuals affected with TCTN2-related conditions. This variant is present in population databases (rs753905088, gnomAD 0.002%). This sequence change replaces isoleucine, which is neutral and non-polar, with methionine, which is neutral and non-polar, at codon 584 of the TCTN2 protein (p.Ile584Met).

Literature cited by the submitters: PubMed 26092869 (cited by Genelabs Medical  (pvt) Ltd and Labcorp Genetics (formerly Invitae), Labcorp).